The following is an entry in ClinVar:

NM_000587.4(C7):c.2529G>C (p.Gln843His)

Gene: C7 (complement C7; plus strand). Cytogenetic location: 5p13.1.
Variant type: single nucleotide variant.
Coding change: c.2529G>C on transcript NM_000587.4 (MANE Select); coding-DNA position 2529, G replaced by C.
Protein change: p.Gln843His; replaces glutamine 843 with histidine.
Molecular consequence: missense variant.
Genome position (GRCh38, 1-based): chr5:40,981,570, G>C. VCF-style: chr5-40981570-G-C. GRCh37 (hg19) VCF-style: chr5-40981672-G-C.
Other names: short protein forms Q843H.
Identifiers: ClinVar variation 1485502 (VCV001485502.8), dbSNP rs760648926, ClinGen allele CA3250338.

ClinVar aggregate classification (germline): Uncertain significance (1 of 4 stars; one submission).

Submission:

Labcorp Genetics (formerly Invitae), Labcorp
Classification: Uncertain significance. Last evaluated: 2020-10-30. Review status: criteria provided, single submitter. Criteria: Invitae Variant Classification Sherloc (09022015). Collection method: clinical testing. Allele origin: germline.
Comment: In summary, the available evidence is currently insufficient to determine the role of this variant in disease. Therefore, it has been classified as a Variant of Uncertain Significance. Algorithms developed to predict the effect of missense changes on protein structure and function (SIFT, PolyPhen-2, Align-GVGD) all suggest that this variant is likely to be tolerated, but these predictions have not been confirmed by published functional studies and their clinical significance is uncertain. This variant has not been reported in the literature in individuals with C7-related conditions. This variant is present in population databases (rs760648926, ExAC 0.002%). This sequence change replaces glutamine with histidine at codon 843 of the C7 protein (p.Gln843His). The glutamine residue is weakly conserved and there is a small physicochemical difference between glutamine and histidine.